The following is an entry in ClinVar:

NM_000038.6(APC):c.7603A>C (p.Ser2535Arg)

Gene: APC (APC regulator of Wnt signaling pathway; plus strand). Cytogenetic location: 5q22.2.
Variant type: single nucleotide variant.
Coding change: c.7603A>C on transcript NM_000038.6 (MANE Select); coding-DNA position 7603, A replaced by C.
Protein change: p.Ser2535Arg; replaces serine 2535 with arginine.
Molecular consequence: missense variant. On other transcripts: non-coding transcript variant (2).
Genome position (GRCh38, 1-based): chr5:112,843,197, A>C. VCF-style: chr5-112843197-A-C. GRCh37 (hg19) VCF-style: chr5-112178894-A-C.
Other names: c.7603A>C, p.Ser2535Arg (NM_001127510.3, NM_001354895.2, NM_001407450.1); c.7549A>C, p.Ser2517Arg (NM_001127511.3); c.7657A>C, p.Ser2553Arg (NM_001354896.2, NM_001407447.1, NM_001407448.1 and 1 more transcripts); c.7633A>C, p.Ser2545Arg (NM_001354897.2); c.7528A>C, p.Ser2510Arg (NM_001354898.2); c.7519A>C, p.Ser2507Arg (NM_001354899.2); c.7480A>C, p.Ser2494Arg (NM_001354900.2); c.7426A>C, p.Ser2476Arg (NM_001354901.2, NM_001407453.1); and 11 more; short protein forms S2151R, S2252R, S2375R, S2406R, S2409R, S2434R, S2444R, S2452R.
Identifiers: ClinVar variation 4861521 (VCV004861521.1).
Genomic context (GRCh38, chr5:112,843,197, plus strand): 5'-ATAGAGTATAATGATGGAAGACCAGCAAAGCGCCATGATATTGCACGGTCTCATTCTGAA[A>C]GTCCTTCTAGACTTCCAATCAATAGGTCAGGAACCTGGAAACGTGAGCACAGCAAACATT-3'
Protein context (NP_000029.2, residues 2525-2545): RHDIARSHSE[Ser2535Arg]PSRLPINRSG

ClinVar aggregate classification (germline): Uncertain significance (1 of 4 stars; one submission).

Conditions:
Hereditary cancer-predisposing syndrome. Also called: Neoplastic Syndromes, Hereditary; Tumor predisposition; Hereditary Cancer Syndrome; Hereditary neoplastic syndrome. Identifiers: Orphanet 140162, MedGen C0027672, MeSH D009386, MONDO:0015356.

Submission:

Ambry Genetics
Classification: Uncertain significance for Hereditary cancer-predisposing syndrome. Last evaluated: 2026-05-07. Review status: criteria provided, single submitter. Criteria: Ambry Variant Classification Scheme 2023. Collection method: clinical testing. Allele origin: germline.
Comment: The p.S2535R variant (also known as c.7603A>C), located in coding exon 15 of the APC gene, results from an A to C substitution at nucleotide position 7603. The serine at codon 2535 is replaced by arginine, an amino acid with dissimilar properties. This amino acid position is well conserved in available vertebrate species. In addition, in silico predictors for this gene do not accurately predict pathogenicity. Missense variants in APC are not a common cause of disease (Spier I et al. Genet Med. 2024 Feb;26(2):100992). Based on the available evidence, the clinical significance of this variant remains unclear.